The following is an entry in ClinVar:

ClinVar aggregate classification (germline): Uncertain significance. Review status: criteria provided, multiple submitters, no conflicts (2 of 4 stars). 3 submissions from 3 submitters: Uncertain significance (3). Last evaluated 2026-01-02.

Conditions:
Ehlers-Danlos syndrome, type 4 (EDSVASC). Also called: Ehlers-Danlos syndrome vascular type; Ehlers Danlos syndrome, ecchymotic type; Ehlers Danlos syndrome, arterial type; Ehlers Danlos syndrome, Sack-Barabas type; Ehlers-Danlos Syndrome Type IV. Identifiers: Orphanet 286, MedGen C0268338, MONDO:0017314, OMIM 130050.

Submissions (3):

Labcorp Genetics (formerly Invitae), Labcorp
Classification: Uncertain significance for Ehlers-Danlos syndrome, type 4. Last evaluated: 2026-01-02. Review status: criteria provided, single submitter. Criteria: Invitae Variant Classification Sherloc (09022015). Collection method: clinical testing. Allele origin: germline.
Comment: This sequence change replaces proline, which is neutral and non-polar, with alanine, which is neutral and non-polar, at codon 772 of the COL3A1 protein (p.Pro772Ala). This variant is not present in population databases (gnomAD no frequency). This variant has not been reported in the literature in individuals affected with COL3A1-related conditions. ClinVar contains an entry for this variant (Variation ID: 3386465). Invitae Evidence Modeling of protein sequence and biophysical properties (such as structural, functional, and spatial information, amino acid conservation, physicochemical variation, residue mobility, and thermodynamic stability) has been performed for this missense variant. However, the output from this modeling did not meet the statistical confidence thresholds required to predict the impact of this variant on COL3A1 protein function. In summary, the available evidence is currently insufficient to determine the role of this variant in disease. Therefore, it has been classified as a Variant of Uncertain Significance.

GeneDx
Classification: Uncertain significance. Last evaluated: 2024-11-21. Review status: criteria provided, single submitter. Criteria: GeneDx Variant Classification Process June 2021. Collection method: clinical testing. Allele origin: germline. Affected: yes.
Comment: Not observed at significant frequency in large population cohorts (gnomAD); In silico analysis supports that this missense variant has a deleterious effect on protein structure/function; Has not been previously published as pathogenic or benign to our knowledge; Occurs in the triple helical domain at the X position in the canonical Gly-X-Y repeat; although this variant may have an effect on normal protein folding and function, missense substitution at the X position is not a common mechanism of disease (HGMD)

All of Us Research Program, National Institutes of Health
Classification: Uncertain significance for Ehlers-Danlos syndrome, type 4. Last evaluated: 2024-07-20. Review status: criteria provided, single submitter. Criteria: ACMG Guidelines, 2015. Collection method: clinical testing. Allele origin: germline. Inheritance: Autosomal dominant inheritance. Observed: 1 variant allele, 1 heterozygote.
Comment: This missense variant replaces proline with alanine at codon 772 of the COL3A1 protein. Computational prediction suggests that this variant may have deleterious impact on protein structure and function (internally defined REVEL score threshold >= 0.7, PMID: 27666373). To our knowledge, functional studies have not been reported for this variant. This variant has not been reported in individuals affected with COL3A1-related disorders in the literature. This variant has not been identified in the general population by the Genome Aggregation Database (gnomAD). The available evidence is insufficient to determine the role of this variant in disease conclusively. Therefore, this variant is classified as a Variant of Uncertain Significance.

This study involves interpretation of variants in research participants for the purpose of population health screening. Participant phenotype was not available at the time of variant classification. Additional details can be found in publication PMID: 35346344, PMCID: PMC8962531

NM_000090.4(COL3A1):c.2314C>G (p.Pro772Ala)

Gene: COL3A1 (collagen type III alpha 1 chain; plus strand). Cytogenetic location: 2q32.2.
Variant type: single nucleotide variant.
Coding change: c.2314C>G on transcript NM_000090.4 (MANE Select); coding-DNA position 2314, C replaced by G.
Protein change: p.Pro772Ala; replaces proline 772 with alanine.
Molecular consequence: missense variant.
Genome position (GRCh38, 1-based): chr2:189,001,427, C>G. VCF-style: chr2-189001427-C-G. GRCh37 (hg19) VCF-style: chr2-189866153-C-G.
Other names: short protein forms P772A.
Identifiers: ClinVar variation 3386465 (VCV003386465.3).